The following is an entry in ClinVar:

NM_004415.4(DSP):c.770del (p.Asn257fs)

Gene: DSP (desmoplakin; plus strand). Cytogenetic location: 6p24.3.
Variant type: Deletion.
Coding change: c.770del on transcript NM_004415.4 (MANE Select); coding-DNA position 770, one base deleted (A; older notation c.770delA).
Protein change: p.Asn257fs; shifts the reading frame from asparagine 257.
Molecular consequence: frameshift variant.
Genome position (GRCh38, 1-based): chr6:7,563,779, A deleted; the last of 4 consecutive A bases (chr6:7,563,776-7,563,779); deleting any one gives the same sequence. VCF-style (leftmost placement, unchanged base first): chr6-7563775-GA-G. GRCh37 (hg19) VCF-style: chr6-7564008-GA-G.
Other names: c.770del, p.Asn257fs (NM_001008844.3, NM_001319034.2, NM_001406591.1); short protein forms N257fs.
Identifiers: ClinVar variation 4245104 (VCV004245104.2).

ClinVar aggregate classification (germline): Pathogenic. Review status: criteria provided, multiple submitters, no conflicts (2 of 4 stars). 2 submissions from 2 submitters: Pathogenic (2). Last evaluated 2025-12-19.

Conditions:
Arrhythmogenic cardiomyopathy with wooly hair and keratoderma. Also called: Arrhythmogenic cardiomyopathy with woolly hair and keratoderma; Dilated cardiomyopathy with woolly hair and keratoderma; PALMOPLANTAR KERATODERMA WITH LEFT VENTRICULAR CARDIOMYOPATHY AND WOOLLY HAIR; Carvajal syndrome. Identifiers: Orphanet 65282, MedGen C1854063, MONDO:0011581, OMIM 605676.
Arrhythmogenic right ventricular dysplasia 8 (ARVD8). Also called: Arrhythmogenic Right Ventricular Dysplasia/Cardiomyopathy 8; ARRHYTHMOGENIC RIGHT VENTRICULAR DYSPLASIA, FAMILIAL, 8; ARRHYTHMOGENIC RIGHT VENTRICULAR CARDIOMYOPATHY 8. Identifiers: MedGen C1843896, MONDO:0011831, OMIM 607450.
Cardiovascular phenotype. Identifiers: MedGen CN230736.

Submissions (2):

Labcorp Genetics (formerly Invitae), Labcorp
Classification: Pathogenic for Arrhythmogenic cardiomyopathy with wooly hair and keratoderma; Arrhythmogenic right ventricular dysplasia 8. Last evaluated: 2025-12-19. Review status: criteria provided, single submitter. Criteria: Invitae Variant Classification Sherloc (09022015). Collection method: clinical testing. Allele origin: germline.
Comment: This sequence change creates a premature translational stop signal (p.Asn257Thrfs*3) in the DSP gene. It is expected to result in an absent or disrupted protein product. Loss-of-function variants in DSP are known to be pathogenic (PMID: 20716751, 24503780, 25227139, 30398466). This variant is not present in population databases (gnomAD no frequency). This variant has not been reported in the literature in individuals affected with DSP-related conditions. ClinVar contains an entry for this variant (Variation ID: 4245104). For these reasons, this variant has been classified as Pathogenic.

Ambry Genetics
Classification: Pathogenic for Cardiovascular phenotype. Last evaluated: 2025-06-24. Review status: criteria provided, single submitter. Criteria: Ambry Variant Classification Scheme 2023. Collection method: clinical testing. Allele origin: germline.
Comment: The c.770delA pathogenic mutation, located in coding exon 6 of the DSP gene, results from a deletion of one nucleotide at nucleotide position 770, causing a translational frameshift with a predicted alternate stop codon (p.N257Tfs*3). Alterations in DSP that result in haploinsufficiency or protein truncation have been reported in patients with arrhythmogenic right ventricular cardiomyopathy (ARVC) and dilated cardiomyopathy (DCM) (Fressart V et al. Europace. 2010;12(6):861-8; Elliott P et al. Circ Cardiovasc Genet. 2010;3(4):314-22; Quarta G et al. Circulation. 2011;123(23):2701-9; Garcia-Pavia P et al. Heart. 2011;97(21):1744-52; Rasmussen TB et al. Clin Genet. 2013;84(1):20-30; Pugh TJ et al. Genet Med. 2014;16(8):601-8). This alteration is expected to result in loss of function by premature protein truncation or nonsense-mediated mRNA decay. This variant is considered to be rare based on population cohorts in the Genome Aggregation Database (gnomAD). As such, this alteration is interpreted as a disease-causing mutation.

Literature cited by the submitters: PubMed 20716751 (cited by Labcorp Genetics (formerly Invitae), Labcorp); PubMed 24503780 (cited by Labcorp Genetics (formerly Invitae), Labcorp); PubMed 25227139 (cited by Labcorp Genetics (formerly Invitae), Labcorp); PubMed 30398466 (cited by Labcorp Genetics (formerly Invitae), Labcorp).